The following is an entry in ClinVar:

NM_199420.4(POLQ):c.1586G>A (p.Gly529Asp)

Gene: POLQ (DNA polymerase theta; minus strand). Cytogenetic location: 3q13.33.
Variant type: single nucleotide variant.
Coding change: c.1586G>A on transcript NM_199420.4 (MANE Select); coding-DNA position 1586, G replaced by A.
Protein change: p.Gly529Asp; replaces glycine 529 with aspartic acid.
Molecular consequence: missense variant.
Genome position (GRCh38, 1-based): chr3:121,511,912, C>T on the plus strand (G>A on the coding strand, the complement: POLQ is on the minus strand). VCF-style: chr3-121511912-C-T. GRCh37 (hg19) VCF-style: chr3-121230759-C-T.
Other names: short protein forms G529D.
Identifiers: ClinVar variation 3422342 (VCV003422342.1).
Genomic context (GRCh38, chr3:121,511,912, plus strand): 5'-AAGAGCAAATGGTAATTTAGTAAATTCTCTCTTACCTCCAGAATAGCTCGTATCATGCTG[C>T]CAGTTACTTCTTCTCCTTCTCGTCTTTGCAGACAGCTGCGAACAGGCTTTAGAGAACCCT-3'
Protein context (NP_955452.3, residues 519-539): LQRREGEEVT[Gly529Asp]SMIRAILEII

ClinVar aggregate classification (germline): Uncertain significance (1 of 4 stars; one submission).

Submission:

Ambry Genetics
Classification: Uncertain significance. Last evaluated: 2024-07-09. Review status: criteria provided, single submitter. Criteria: Ambry Variant Classification Scheme 2023. Collection method: clinical testing. Allele origin: germline.
Comment: The p.G529D variant (also known as c.1586G>A), located in coding exon 10 of the POLQ gene, results from a G to A substitution at nucleotide position 1586. The glycine at codon 529 is replaced by aspartic acid, an amino acid with similar properties. This amino acid position is conserved. In addition, this alteration is predicted to be tolerated by in silico analysis. Based on the available evidence, the clinical significance of this variant remains unclear.